The following is an entry in ClinVar:

NM_006767.4(LZTR1):c.1786-16_1797del

Gene: LZTR1 (leucine zipper like post translational regulator 1; plus strand). Cytogenetic location: 22q11.21.
Variant type: Deletion.
Coding change: c.1786-16_1797del on transcript NM_006767.4 (MANE Select); 16 bases into the intron before coding-DNA position 1786 through coding-DNA position 1797, 28 bases deleted (TGCCTGTCTGCCCCAGGAGCACTGCCTG).
Molecular consequence: splice acceptor variant.
Genome position (GRCh38, 1-based): chr22:20,994,854-20,994,881, TGCCTGTCTGCCCCAGGAGCACTGCCTG deleted; deleting any 28 consecutive bases within chr22:20,994,847-20,994,881 gives the same sequence; the c. name uses the placement nearest the transcript's 3' end. VCF-style (leftmost placement, unchanged base first): chr22-20994846-CCTGCCTGTGCCTGTCTGCCCCAGGAGCA-C. GRCh37 (hg19) VCF-style: chr22-21349135-CCTGCCTGTGCCTGTCTGCCCCAGGAGCA-C.
Identifiers: ClinVar variation 3991929 (VCV003991929.1).

ClinVar aggregate classification (germline): Uncertain significance (1 of 4 stars; one submission).

Conditions:
Cardiovascular phenotype. Identifiers: MedGen CN230736.
Hereditary cancer-predisposing syndrome. Also called: Tumor predisposition; Hereditary neoplastic syndrome; Neoplastic Syndromes, Hereditary; Hereditary Cancer Syndrome. Identifiers: Orphanet 140162, MedGen C0027672, MeSH D009386, MONDO:0015356.

Submission:

Ambry Genetics
Classification: Uncertain significance for Cardiovascular phenotype; Hereditary cancer-predisposing syndrome. Last evaluated: 2025-05-07. Review status: criteria provided, single submitter. Criteria: Ambry Variant Classification Scheme 2023. Collection method: clinical testing. Allele origin: germline.
Comment: The c.1786-16_1797del28 variant results from a deletion of 28 nucleotides between positions c.1786-16 and c.1797 and involves the canonical splice acceptor site before coding exon 16 of the LZTR1 gene. Alterations that disrupt the canonical splice site are expected to result in aberrant splicing. In silico splice site analysis predicts that this alteration will weaken the native splice acceptor site and will result in the creation or strengthening of a novel splice acceptor site. A resulting transcript is predicted to be in-frame and is not expected to trigger nonsense-mediated mRNAdecay; although, direct evidence is unavailable. The canonical splice acceptor site is highly conserved in available vertebrate species. Based on the available evidence, the clinical significance of this variant remains unclear.